The following is an entry in ClinVar:

NM_000535.7(PMS2):c.2241A>G (p.Arg747=)

Gene: PMS2 (PMS1 homolog 2, mismatch repair system component; minus strand). Cytogenetic location: 7p22.1.
Variant type: single nucleotide variant.
Coding change: c.2241A>G on transcript NM_000535.7 (MANE Select); coding-DNA position 2241, A replaced by G.
Protein change: p.Arg747=; no amino-acid change (arginine 747 retained).
Molecular consequence: synonymous variant. On other transcripts: non-coding transcript variant (1).
Genome position (GRCh38, 1-based): chr7:5,978,630, T>C on the plus strand (A>G on the coding strand, the complement: PMS2 is on the minus strand). VCF-style: chr7-5978630-T-C. GRCh37 (hg19) VCF-style: chr7-6018261-T-C.
Other names: c.1836A>G, p.Arg612= (NM_001322003.2, NM_001322004.2, NM_001322005.2 and 1 more transcripts); c.2085A>G, p.Arg695= (NM_001322006.2); c.1923A>G, p.Arg641= (NM_001322007.2, NM_001322008.2); c.1680A>G, p.Arg560= (NM_001322010.2); c.1308A>G, p.Arg436= (NM_001322011.2, NM_001322012.2); c.1668A>G, p.Arg556= (NM_001322013.2); c.2241A>G, p.Arg747= (NM_001322014.2); c.1932A>G, p.Arg644= (NM_001322015.2).
Identifiers: ClinVar variation 1665918 (VCV001665918.9), dbSNP rs2128682604, ClinGen allele CA453642644.

ClinVar aggregate classification (germline): Benign/Likely benign. Review status: criteria provided, multiple submitters, no conflicts (2 of 4 stars). 2 submissions from 2 submitters: Benign (1); Likely benign (1). Last evaluated 2025-02-03.

Conditions:
Hereditary nonpolyposis colorectal neoplasms. Identifiers: MedGen C0009405, MeSH D003123.
Lynch syndrome 4 (LYNCH4). Also called: Hereditary non-polyposis colorectal cancer, type 4; Colorectal cancer, hereditary nonpolyposis, type 4. Identifiers: Orphanet 144, MedGen C1838333, MONDO:0013699, OMIM 614337. Disease mechanism: loss of function.

Submissions (2):

Myriad Genetics, Inc.
Classification: Benign for Lynch syndrome 4. Last evaluated: 2025-02-03. Review status: criteria provided, single submitter. Criteria: Myriad Autosomal Dominant, Autosomal Recessive and X-Linked Classification Criteria (2023). Collection method: clinical testing. Allele origin: unknown.
Comment: This variant is considered benign. This variant is a silent/synonymous amino acid change and it is not expected to impact splicing.

Labcorp Genetics (formerly Invitae), Labcorp
Classification: Likely benign for Hereditary nonpolyposis colorectal neoplasms. Last evaluated: 2024-06-04. Review status: criteria provided, single submitter. Criteria: Invitae Variant Classification Sherloc (09022015). Collection method: clinical testing. Allele origin: germline.